The following is an entry in ClinVar:

ClinVar aggregate classification (germline): Uncertain significance (1 of 4 stars; one submission).

Conditions:
Long QT syndrome (LQTS). Identifiers: MedGen C0023976, MeSH D008133, MONDO:0002442. Disease mechanism: loss of function. Inheritance: Various modes of inheritance.

Allele frequency attached by ClinVar (database versions not stated): ExAC 0.00001.
gnomAD v4.1: 2 of 1,612,682 alleles (0.00012%); highest among the groups gnomAD compares: Non-Finnish European, 0.00017%; no homozygotes.

Submission:

Labcorp Genetics (formerly Invitae), Labcorp
Classification: Uncertain significance for Long QT syndrome. Last evaluated: 2022-09-23. Review status: criteria provided, single submitter. Criteria: Invitae Variant Classification Sherloc (09022015). Collection method: clinical testing. Allele origin: germline.
Comment: This sequence change replaces alanine, which is neutral and non-polar, with glycine, which is neutral and non-polar, at codon 1823 of the CACNA1C protein (p.Ala1823Gly). This variant is present in population databases (rs765116077, gnomAD 0.0009%). This variant has not been reported in the literature in individuals affected with CACNA1C-related conditions. Advanced modeling of protein sequence and biophysical properties (such as structural, functional, and spatial information, amino acid conservation, physicochemical variation, residue mobility, and thermodynamic stability) performed at Invitae indicates that this missense variant is not expected to disrupt CACNA1C protein function. In summary, the available evidence is currently insufficient to determine the role of this variant in disease. Therefore, it has been classified as a Variant of Uncertain Significance.

NM_000719.7(CACNA1C):c.5468C>G (p.Ala1823Gly)

Genes: CACNA1C (calcium voltage-gated channel subunit alpha1 C; plus strand), CACNA1C-AS1 (CACNA1C antisense RNA 1; minus strand). Cytogenetic location: 12p13.33.
Variant type: single nucleotide variant.
Coding change: c.5468C>G on transcript NM_000719.7 (MANE Select); coding-DNA position 5468, C replaced by G.
Protein change: p.Ala1823Gly; replaces alanine 1823 with glycine.
Molecular consequence: missense variant.
Genome position (GRCh38, 1-based): chr12:2,682,573, C>G. VCF-style: chr12-2682573-C-G. GRCh37 (hg19) VCF-style: chr12-2791739-C-G.
Other names: c.5612C>G, p.Ala1871Gly (NM_001129827.2); c.5591C>G, p.Ala1864Gly (NM_001129829.2); c.5573C>G, p.Ala1858Gly (NM_001129830.3, NM_001167624.3); c.5552C>G, p.Ala1851Gly (NM_001129831.2); c.5528C>G, p.Ala1843Gly (NM_001129832.2); c.5525C>G, p.Ala1842Gly (NM_001129833.2, NM_001129834.2, NM_001129835.2); c.5519C>G, p.Ala1840Gly (NM_001129836.2); c.5492C>G, p.Ala1831Gly (NM_001129837.2, NM_001129838.2); and 6 more; short protein forms A1812G, A1820G, A1823G, A1829G, A1831G, A1840G, A1842G, A1843G.
Identifiers: ClinVar variation 1720097 (VCV001720097.6), dbSNP rs765116077, ClinGen allele CA6389873.
Genomic context (GRCh38, chr12:2,682,573, plus strand): 5'-CAGTTTCTGATGTTTTTCTTCATCTTGGATATTGTAGGTGCCACTCCCGGGAGAGCCAGG[C>G]AGCCATGGCGGGTCAGGAGGAGACGTCTCAGGATGAGACCTATGAAGTGAAGATGAACCA-3'
Protein context (NP_000710.5, residues 1813-1833): SNRCHSRESQ[Ala1823Gly]AMAGQEETSQ